The following is an entry in ClinVar:

ClinVar aggregate classification (germline): Likely benign (0 of 4 stars; one submission).

Conditions:
TGM3-related disorder. Also called: TGM3-related condition.

Allele frequency attached by ClinVar (database versions not stated): 1000 Genomes Project 0.00040; 1000 Genomes Project 30x 0.00047; gnomAD 0.00070; ExAC 0.00071; TOPMed 0.00076; gnomAD exomes 0.00136; ESP Exome Variant Server 0.00138.
gnomAD v4.1: 2,090 of 1,613,322 alleles (0.13%); highest among the groups gnomAD compares: Non-Finnish European, 0.16%; 5 homozygotes.

Submission:

PreventionGenetics, part of Exact Sciences
Classification: Likely benign for TGM3-related condition. Last evaluated: 2019-12-09. Review status: no assertion criteria provided. Collection method: clinical testing. Allele origin: germline.
Comment: This variant is classified as likely benign based on ACMG/AMP sequence variant interpretation guidelines (Richards et al. 2015 PMID: 25741868, with internal and published modifications).

NM_003245.4(TGM3):c.670-3C>T

Gene: TGM3 (transglutaminase 3; plus strand). Cytogenetic location: 20p13.
Variant type: single nucleotide variant.
Coding change: c.670-3C>T on transcript NM_003245.4 (MANE Select); 3 bases into the intron before coding-DNA position 670, C replaced by T.
Molecular consequence: intron variant.
Genome position (GRCh38, 1-based): chr20:2,317,065, C>T. VCF-style: chr20-2317065-C-T. GRCh37 (hg19) VCF-style: chr20-2297711-C-T.
Identifiers: ClinVar variation 3042869 (VCV003042869.2), dbSNP rs199587679, ClinGen allele CA9730899.